The following is an entry in ClinVar:

NM_000057.4(BLM):c.3706C>T (p.His1236Tyr)

Gene: BLM (BLM RecQ like helicase; plus strand). Cytogenetic location: 15q26.1.
Variant type: single nucleotide variant.
Coding change: c.3706C>T on transcript NM_000057.4 (MANE Select); coding-DNA position 3706, C replaced by T.
Protein change: p.His1236Tyr; replaces histidine 1236 with tyrosine.
Molecular consequence: missense variant. On other transcripts: intron variant (1).
Genome position (GRCh38, 1-based): chr15:90,804,314, C>T. VCF-style: chr15-90804314-C-T. GRCh37 (hg19) VCF-style: chr15-91347544-C-T.
Other names: c.3706C>T, p.His1236Tyr (NM_001287246.2); c.2581C>T, p.His861Tyr (NM_001287248.2); c.3359-4823C>T (NM_001287247.2); short protein forms H1236Y, H861Y.
Identifiers: ClinVar variation 4808768 (VCV004808768.2).

ClinVar aggregate classification (germline): Uncertain significance. Review status: criteria provided, multiple submitters, no conflicts (2 of 4 stars). 2 submissions from 2 submitters: Uncertain significance (2). Last evaluated 2026-02-11.

Conditions:
Bloom syndrome (BLM). Also called: Bloom-Torre-Machacek syndrome. Identifiers: Orphanet 125, MedGen C0005859, MONDO:0008876, OMIM 210900.

Submissions (2):

St. Jude Molecular Pathology, St. Jude Children's Research Hospital
Classification: Uncertain significance for Bloom syndrome. Last evaluated: 2026-02-11. Review status: criteria provided, single submitter. Criteria: St. Jude Assertion Criteria 2020. Collection method: clinical testing. Allele origin: germline.
Comment: The BLM c.3706C>T p.(His1236Tyr) missense change is absent in gnomAD v2.1.1. The in silico tool REVEL predicts a benign effect on protein function, but to our knowledge this prediction has not been confirmed by functional studies. To our knowledge, this variant has not been reported in individuals with Bloom syndrome. In summary, the evidence currently available is insufficient to determine the clinical significance of this variant. It has therefore been classified as of uncertain significance.

Labcorp Genetics (formerly Invitae), Labcorp
Classification: Uncertain significance for Bloom syndrome. Last evaluated: 2025-12-17. Review status: criteria provided, single submitter. Criteria: Invitae Variant Classification Sherloc (09022015). Collection method: clinical testing. Allele origin: germline.
Comment: This sequence change replaces histidine, which is basic and polar, with tyrosine, which is neutral and polar, at codon 1236 of the BLM protein (p.His1236Tyr). This variant is not present in population databases (gnomAD no frequency). This variant has not been reported in the literature in individuals affected with BLM-related conditions. Invitae Evidence Modeling of protein sequence and biophysical properties (such as structural, functional, and spatial information, amino acid conservation, physicochemical variation, residue mobility, and thermodynamic stability) indicates that this missense variant is expected to disrupt BLM protein function with a positive predictive value of 80%. In summary, the available evidence is currently insufficient to determine the role of this variant in disease. Therefore, it has been classified as a Variant of Uncertain Significance.